The following is an entry in ClinVar:

NM_015338.6(ASXL1):c.368A>G (p.Asn123Ser)

Gene: ASXL1 (ASXL transcriptional regulator 1; plus strand). Cytogenetic location: 20q11.21.
Variant type: single nucleotide variant.
Coding change: c.368A>G on transcript NM_015338.6 (MANE Select); coding-DNA position 368, A replaced by G.
Protein change: p.Asn123Ser; replaces asparagine 123 with serine.
Molecular consequence: missense variant.
Genome position (GRCh38, 1-based): chr20:32,428,243, A>G. VCF-style: chr20-32428243-A-G. GRCh37 (hg19) VCF-style: chr20-31016046-A-G.
Other names: c.338A>G, p.Asn113Ser (NM_001363734.1); short protein forms N123S, N113S.
Identifiers: ClinVar variation 3792054 (VCV003792054.2).

ClinVar aggregate classification (germline): Uncertain significance. Review status: criteria provided, multiple submitters, no conflicts (2 of 4 stars). 2 submissions from 2 submitters: Uncertain significance (2). Last evaluated 2025-11-17.

Conditions:
Inborn genetic diseases. Identifiers: MedGen C0950123, MeSH D030342.

gnomAD v4.1: 4 of 1,614,058 alleles (0.00025%); highest among the groups gnomAD compares: Non-Finnish European, 0.00034%; no homozygotes.

Submissions (2):

Labcorp Genetics (formerly Invitae), Labcorp
Classification: Uncertain significance. Last evaluated: 2025-11-17. Review status: criteria provided, single submitter. Criteria: Invitae Variant Classification Sherloc (09022015). Collection method: clinical testing. Allele origin: germline.
Comment: This sequence change replaces asparagine, which is neutral and polar, with serine, which is neutral and polar, at codon 123 of the ASXL1 protein (p.Asn123Ser). This variant is not present in population databases (gnomAD no frequency). This variant has not been reported in the literature in individuals affected with ASXL1-related conditions. ClinVar contains an entry for this variant (Variation ID: 3792054). An algorithm developed to predict the effect of missense changes on protein structure and function (PolyPhen-2) suggests that this variant is likely to be disruptive. In summary, the available evidence is currently insufficient to determine the role of this variant in disease. Therefore, it has been classified as a Variant of Uncertain Significance.

Ambry Genetics
Classification: Uncertain significance for Inborn genetic diseases. Last evaluated: 2025-01-07. Review status: criteria provided, single submitter. Criteria: Ambry Variant Classification Scheme 2023. Collection method: clinical testing. Allele origin: germline.
Comment: The p.N123S variant (also known as c.368A>G), located in coding exon 5 of the ASXL1 gene, results from an A to G substitution at nucleotide position 368. The asparagine at codon 123 is replaced by serine, an amino acid with highly similar properties. This amino acid position is conserved. In addition, this alteration is predicted to be tolerated by in silico analysis. Based on the available evidence, the clinical significance of this variant remains unclear.